The following is an entry in ClinVar:

NM_001267550.2(TTN):c.24157G>A (p.Gly8053Ser)

Gene: TTN (titin; minus strand). Cytogenetic location: 2q31.2.
Variant type: single nucleotide variant.
Coding change: c.24157G>A on transcript NM_001267550.2 (MANE Select); coding-DNA position 24157, G replaced by A.
Protein change: p.Gly8053Ser; replaces glycine 8053 with serine.
Molecular consequence: missense variant. On other transcripts: intron variant (3).
Genome position (GRCh38, 1-based): chr2:178,719,233, C>T on the plus strand (G>A on the coding strand, the complement: TTN is on the minus strand). VCF-style: chr2-178719233-C-T. GRCh37 (hg19) VCF-style: chr2-179583960-C-T.
Other names: c.23206G>A, p.Gly7736Ser (NM_001256850.1); c.20425G>A, p.Gly6809Ser (NM_133378.4); c.13282+18849G>A (NM_003319.4); c.13858+18849G>A (NM_133437.4); c.13657+18849G>A (NM_133432.3); short protein forms G6809S, G8053S, G7736S.
Identifiers: ClinVar variation 332911 (VCV000332911.49), dbSNP rs374167223, ClinGen allele CA2000493.

ClinVar aggregate classification (germline): Conflicting classifications of pathogenicity. Review status: criteria provided, conflicting classifications (1 of 4 stars). 7 submissions from 3 submitters: Uncertain significance (5); Benign (1); Likely benign (1). Last evaluated 2020-10-28.

Conditions:
Tibial muscular dystrophy (TMD). Also called: Udd Distal Myopathy – Tibial Muscular Dystrophy; UDD MYOPATHY; Tibial muscular dystrophy, tardive. Identifiers: Orphanet 609, MedGen C1838244, MONDO:0010870, OMIM 600334.
Myopathy, myofibrillar, 9, with early respiratory failure (MFM9). Also called: Myopathy, distal, with early respiratory failure, autosomal dominant; EDSTROM MYOPATHY; Hereditary myopathy with early respiratory failure; MYOPATHY, PROXIMAL, WITH EARLY RESPIRATORY MUSCLE INVOLVEMENT. Identifiers: Orphanet 178464, Orphanet 34521, MedGen C1863599, MONDO:0011362, OMIM 603689.
Early-onset myopathy with fatal cardiomyopathy (CMYO5). Also called: CONGENITAL MYOPATHY 5 WITH CARDIOMYOPATHY; Salih Myopathy. Identifiers: Orphanet 289377, MedGen C2673677, MONDO:0012714, OMIM 611705. Disease mechanism: loss of function.
Autosomal recessive limb-girdle muscular dystrophy type 2J (LGMDR10). Also called: MUSCULAR DYSTROPHY, LIMB-GIRDLE, AUTOSOMAL RECESSIVE 10; Limb-girdle muscular dystrophy, type 2J. Identifiers: Orphanet 140922, MedGen C1837342, MONDO:0012127, OMIM 608807.
Dilated cardiomyopathy 1G (CMD1G). Identifiers: Orphanet 154, MedGen C1858763, MONDO:0011400, OMIM 604145.

Allele frequency attached by ClinVar (database versions not stated): ExAC 0.00002; gnomAD exomes 0.00003; TOPMed 0.00003; gnomAD 0.00005; ESP Exome Variant Server 0.00008.
gnomAD v4.1: 47 of 1,613,672 alleles (0.0029%); highest among the groups gnomAD compares: Middle Eastern, 0.016%; no homozygotes.

Submissions (7):

Revvity Omics, Revvity
Classification: Uncertain significance. Last evaluated: 2020-10-28. Review status: criteria provided, single submitter. Criteria: ACMG Guidelines, 2015. Collection method: clinical testing. Allele origin: germline.

CeGaT Center for Human Genetics Tuebingen
Classification: Uncertain significance. Last evaluated: 2019-05-01. Review status: criteria provided, single submitter. Criteria: CeGaT Center For Human Genetics Tuebingen Variant Classification Criteria Version 2. Collection method: clinical testing. Allele origin: germline. Affected: yes. Observed: 1 variant allele.

Illumina Laboratory Services, Illumina
Classification: Uncertain significance for Dilated cardiomyopathy 1G. Last evaluated: 2018-01-13. Review status: criteria provided, single submitter. Criteria: ICSL Variant Classification Criteria 13 December 2019. Collection method: clinical testing. Allele origin: germline.

Illumina Laboratory Services, Illumina
Classification: Uncertain significance for Early-onset myopathy with fatal cardiomyopathy. Last evaluated: 2018-01-13. Review status: criteria provided, single submitter. Criteria: ICSL Variant Classification Criteria 13 December 2019. Collection method: clinical testing. Allele origin: germline.

Illumina Laboratory Services, Illumina
Classification: Benign for Tibial muscular dystrophy. Last evaluated: 2018-01-13. Review status: criteria provided, single submitter. Criteria: ICSL Variant Classification Criteria 13 December 2019. Collection method: clinical testing. Allele origin: germline.
Comment: This variant was observed in the ICSL laboratory as part of a predisposition screen in an ostensibly healthy population. It had not been previously curated by ICSL or reported in the Human Gene Mutation Database (HGMD: prior to June 1st, 2018), and was therefore a candidate for classification through an automated scoring system. Utilizing variant allele frequency, disease prevalence and penetrance estimates, and inheritance mode, an automated score was calculated to assess if this variant is too frequent to cause the disease. Based on the score and internal cut-off values, a variant classified as benign is not then subjected to further curation. The score for this variant resulted in a classification of benign for this disease.

Illumina Laboratory Services, Illumina
Classification: Likely benign for Myopathy, myofibrillar, 9, with early respiratory failure. Last evaluated: 2018-01-13. Review status: criteria provided, single submitter. Criteria: ICSL Variant Classification Criteria 13 December 2019. Collection method: clinical testing. Allele origin: germline.
Comment: This variant was observed in the ICSL laboratory as part of a predisposition screen in an ostensibly healthy population. It had not been previously curated by ICSL or reported in the Human Gene Mutation Database (HGMD: prior to June 1st, 2018), and was therefore a candidate for classification through an automated scoring system. Utilizing variant allele frequency, disease prevalence and penetrance estimates, and inheritance mode, an automated score was calculated to assess if this variant is too frequent to cause the disease. Based on the score and internal cut-off values, a variant classified as likely benign is not then subjected to further curation. The score for this variant resulted in a classification of likely benign for this disease.

Illumina Laboratory Services, Illumina
Classification: Uncertain significance for Autosomal recessive limb-girdle muscular dystrophy type 2J. Last evaluated: 2018-01-13. Review status: criteria provided, single submitter. Criteria: ICSL Variant Classification Criteria 13 December 2019. Collection method: clinical testing. Allele origin: germline.